The following is an entry in ClinVar:

NM_001384732.1(CPLANE1):c.525C>T (p.Thr175=)

Gene: CPLANE1 (ciliogenesis and planar polarity effector complex subunit 1; minus strand). Cytogenetic location: 5p13.2.
Variant type: single nucleotide variant.
Coding change: c.525C>T on transcript NM_001384732.1 (MANE Select); coding-DNA position 525, C replaced by T.
Protein change: p.Thr175=; no amino-acid change (threonine 175 retained).
Molecular consequence: synonymous variant.
Genome position (GRCh38, 1-based): chr5:37,244,420, G>A on the plus strand (C>T on the coding strand, the complement: CPLANE1 is on the minus strand). VCF-style: chr5-37244420-G-A. GRCh37 (hg19) VCF-style: chr5-37244522-G-A.
Other names: c.525C>T, p.Thr175= (NM_023073.4).
Identifiers: ClinVar variation 2715046 (VCV002715046.24), dbSNP rs117069814, ClinGen allele CA3239177.

ClinVar aggregate classification (germline): Likely benign. Review status: criteria provided, multiple submitters, no conflicts (2 of 4 stars). 2 submissions from 2 submitters: Likely benign (2). Last evaluated 2026-01-02.

Allele frequency attached by ClinVar (database versions not stated): TOPMed 0.00001; ExAC 0.00005; gnomAD 0.00005; gnomAD exomes 0.00005; 1000 Genomes Project 30x 0.00016; 1000 Genomes Project 0.00020.
gnomAD v4.1: 80 of 1,550,490 alleles (0.0052%); highest among the groups gnomAD compares: Admixed American, 0.012%; no homozygotes.

Submissions (2):

Labcorp Genetics (formerly Invitae), Labcorp
Classification: Likely benign. Last evaluated: 2026-01-02. Review status: criteria provided, single submitter. Criteria: Invitae Variant Classification Sherloc (09022015). Collection method: clinical testing. Allele origin: germline.

CeGaT Center for Human Genetics Tuebingen
Classification: Likely benign. Last evaluated: 2024-03-01. Review status: criteria provided, single submitter. Criteria: CeGaT Center For Human Genetics Tuebingen Variant Classification Criteria Version 2. Collection method: clinical testing. Allele origin: germline. Affected: yes. Observed: 1 variant allele.
Comment: CPLANE1: BP4, BP7